The following is an entry in ClinVar:

NM_170754.4(TNS2):c.841C>T (p.Arg281Cys)

Gene: TNS2 (tensin 2; plus strand). Cytogenetic location: 12q13.13.
Variant type: single nucleotide variant.
Coding change: c.841C>T on transcript NM_170754.4 (MANE Select); coding-DNA position 841, C replaced by T.
Protein change: p.Arg281Cys; replaces arginine 281 with cysteine.
Molecular consequence: missense variant.
Genome position (GRCh38, 1-based): chr12:53,057,092, C>T. VCF-style: chr12-53057092-C-T. GRCh37 (hg19) VCF-style: chr12-53450876-C-T.
Other names: c.841C>T, p.Arg281Cys (NM_001416202.1, NM_001416204.1); c.772C>T, p.Arg258Cys (NM_001416203.1, NM_015319.3); c.469C>T, p.Arg157Cys (NM_198316.2); short protein forms R157C, R281C, R291C, R258C.
Identifiers: ClinVar variation 1968329 (VCV001968329.8), dbSNP rs553308233, ClinGen allele CA6592077.

ClinVar aggregate classification (germline): Uncertain significance. Review status: criteria provided, multiple submitters, no conflicts (2 of 4 stars). 3 submissions from 3 submitters: Uncertain significance (2). 1 of the submissions does not count toward it. Last evaluated 2024-10-16.

Conditions:
TNS2-related disorder. Also called: TNS2-related condition.

Allele frequency attached by ClinVar (database versions not stated): gnomAD 0.00002; gnomAD exomes 0.00002; ExAC 0.00003; TOPMed 0.00008.
gnomAD v4.1: 31 of 1,612,028 alleles (0.0019%); highest among the groups gnomAD compares: Admixed American, 0.013%; no homozygotes.

Submissions (3):

Labcorp Genetics (formerly Invitae), Labcorp
Classification: Uncertain significance. Last evaluated: 2024-10-16. Review status: criteria provided, single submitter. Criteria: Invitae Variant Classification Sherloc (09022015). Collection method: clinical testing. Allele origin: germline.
Comment: This sequence change replaces arginine, which is basic and polar, with cysteine, which is neutral and slightly polar, at codon 291 of the TNS2 protein (p.Arg291Cys). This variant is present in population databases (rs553308233, gnomAD 0.02%). This variant has not been reported in the literature in individuals affected with TNS2-related conditions. ClinVar contains an entry for this variant (Variation ID: 1968329). An algorithm developed to predict the effect of missense changes on protein structure and function (PolyPhen-2) suggests that this variant is likely to be disruptive. In summary, the available evidence is currently insufficient to determine the role of this variant in disease. Therefore, it has been classified as a Variant of Uncertain Significance.

Ambry Genetics
Classification: Uncertain significance. Last evaluated: 2023-12-14. Review status: criteria provided, single submitter. Criteria: Ambry Variant Classification Scheme 2023. Collection method: clinical testing. Allele origin: germline.

PreventionGenetics, part of Exact Sciences
Classification: Uncertain significance for TNS2-related condition. Last evaluated: 2023-12-05. Review status: no assertion criteria provided. Collection method: clinical testing. Allele origin: germline. Not counted in ClinVar's aggregate classification.
Comment: The TNS2 c.871C>T variant is predicted to result in the amino acid substitution p.Arg291Cys. To our knowledge, this variant has not been reported in the literature. This variant is reported in 0.012% of alleles in individuals of Latino descent in gnomAD. At this time, the clinical significance of this variant is uncertain due to the absence of conclusive functional and genetic evidence.